The following is an entry in ClinVar:

NM_003737.4(DCHS1):c.2078G>C (p.Ser693Thr)

Gene: DCHS1 (dachsous cadherin-related 1; minus strand). Cytogenetic location: 11p15.4.
Variant type: single nucleotide variant.
Coding change: c.2078G>C on transcript NM_003737.4 (MANE Select); coding-DNA position 2078, G replaced by C.
Protein change: p.Ser693Thr; replaces serine 693 with threonine.
Molecular consequence: missense variant.
Genome position (GRCh38, 1-based): chr11:6,633,929, C>G on the plus strand (G>C on the coding strand, the complement: DCHS1 is on the minus strand). VCF-style: chr11-6633929-C-G. GRCh37 (hg19) VCF-style: chr11-6655160-C-G.
Other names: short protein forms S693T.
Identifiers: ClinVar variation 2242661 (VCV002242661.3), dbSNP rs1855950500, ClinGen allele CA379424109.

ClinVar aggregate classification (germline): Uncertain significance. Review status: criteria provided, multiple submitters, no conflicts (2 of 4 stars). 2 submissions from 2 submitters: Uncertain significance (2). Last evaluated 2025-07-02.

Conditions:
Inborn genetic diseases. Identifiers: MedGen C0950123, MeSH D030342.

Allele frequency attached by ClinVar (database versions not stated): TOPMed below 0.00001.

Submissions (2):

Labcorp Genetics (formerly Invitae), Labcorp
Classification: Uncertain significance. Last evaluated: 2025-07-02. Review status: criteria provided, single submitter. Criteria: Invitae Variant Classification Sherloc (09022015). Collection method: clinical testing. Allele origin: germline.
Comment: This sequence change replaces serine, which is neutral and polar, with threonine, which is neutral and polar, at codon 693 of the DCHS1 protein (p.Ser693Thr). This variant is not present in population databases (gnomAD no frequency). This variant has not been reported in the literature in individuals affected with DCHS1-related conditions. ClinVar contains an entry for this variant (Variation ID: 2242661). Invitae Evidence Modeling of protein sequence and biophysical properties (such as structural, functional, and spatial information, amino acid conservation, physicochemical variation, residue mobility, and thermodynamic stability) indicates that this missense variant is not expected to disrupt DCHS1 protein function with a negative predictive value of 80%. In summary, the available evidence is currently insufficient to determine the role of this variant in disease. Therefore, it has been classified as a Variant of Uncertain Significance.

Ambry Genetics
Classification: Uncertain significance for Inborn genetic diseases. Last evaluated: 2021-08-10. Review status: criteria provided, single submitter. Criteria: Ambry Variant Classification Scheme 2023. Collection method: clinical testing. Allele origin: germline.